The following is an entry in ClinVar:

ClinVar aggregate classification (germline): Pathogenic. Review status: criteria provided, single submitter (1 of 4 stars). 2 submissions from 2 submitters: Pathogenic (1). 1 of the submissions does not count toward it. Last evaluated 2026-03-10.

Conditions:
Neurodevelopmental disorder with hypotonia, facial dysmorphism, and brain abnormalities (NEDHFBA). Also called: EL-HATTAB-SCHMIDTS SYNDROME; PPP1R21-Related El-Hattab-Schmidts Syndrome. Identifiers: MedGen C5543591, MONDO:0859165, OMIM 619383.

Allele frequency attached by ClinVar (database versions not stated): gnomAD exomes below 0.00001; gnomAD 0.00001; TOPMed 0.00002.
gnomAD v4.1: 2 of 1,613,876 alleles (0.00012%); highest among the groups gnomAD compares: Non-Finnish European, 0.00017%; no homozygotes.

Submissions (2):

Dasa
Classification: Pathogenic. Last evaluated: 2026-03-10. Review status: criteria provided, single submitter. Criteria: DASA Assertion Criteria. Collection method: clinical testing. Allele origin: germline.
Comment: NM_001135629.3(PPP1R21):c.427C>T (p.Arg143*) introduces a premature termination codon predicted to result in loss of normal protein function. Loss-of-function is an established mechanism of disease for this gene. This variant has been observed in affected individuals with related phenotype in a genotype context consistent with recessive disease (PMID: 29808498; PMID: 30520571). This variant has been recurrently observed in individuals with related phenotype (PMID: 29808498; PMID: 30520571). The variant is present at low frequency in population datasets. Based on the available data, this variant is classified as pathogenic.

OMIM
Classification: Pathogenic for NEURODEVELOPMENTAL DISORDER WITH HYPOTONIA, FACIAL DYSMORPHISM, AND BRAIN ABNORMALITIES. Last evaluated: 2024-12-16. Review status: no assertion criteria provided. Collection method: literature only. Allele origin: germline. Not counted in ClinVar's aggregate classification.

Literature cited by the submitters: PubMed 29808498 (cited by Dasa and OMIM); PubMed 30520571 (cited by Dasa); PubMed 38356149 (cited by OMIM).

NM_001135629.3(PPP1R21):c.427C>T (p.Arg143Ter)

Gene: PPP1R21 (protein phosphatase 1 regulatory subunit 21; plus strand). Cytogenetic location: 2p16.3.
Variant type: single nucleotide variant.
Coding change: c.427C>T on transcript NM_001135629.3 (MANE Select); coding-DNA position 427, C replaced by T.
Protein change: p.Arg143Ter; replaces arginine 143 with a stop codon.
Molecular consequence: nonsense. On other transcripts: non-coding transcript variant (1).
Genome position (GRCh38, 1-based): chr2:48,459,805, C>T. VCF-style: chr2-48459805-C-T. GRCh37 (hg19) VCF-style: chr2-48686944-C-T.
Other names: c.427C>T, p.Arg143Ter (NM_001193475.2, NM_152994.5); short protein forms R143*.
Identifiers: ClinVar variation 1174145 (VCV001174145.3), dbSNP rs998498095, ClinGen allele CA46753668.